The following is an entry in ClinVar:

ClinVar aggregate classification (germline): Uncertain significance (1 of 4 stars; one submission).

Conditions:
Neonatal-onset encephalopathy with rigidity and seizures. Also called: Lethal neonatal spasticity-epileptic encephalopathy syndrome. Identifiers: Orphanet 435845, MedGen C3281029, MONDO:0013784, OMIM 614498.

Allele frequency attached by ClinVar (database versions not stated): gnomAD exomes below 0.00001.
gnomAD v4.1: 3 of 1,609,430 alleles (0.00019%); highest among the groups gnomAD compares: Non-Finnish European, 0.00025%; no homozygotes.

Submission:

Labcorp Genetics (formerly Invitae), Labcorp
Classification: Uncertain significance for Neonatal-onset encephalopathy with rigidity and seizures. Last evaluated: 2022-03-18. Review status: criteria provided, single submitter. Criteria: Invitae Variant Classification Sherloc (09022015). Collection method: clinical testing. Allele origin: germline.
Comment: In summary, the available evidence is currently insufficient to determine the role of this variant in disease. Therefore, it has been classified as a Variant of Uncertain Significance. Algorithms developed to predict the effect of missense changes on protein structure and function are either unavailable or do not agree on the potential impact of this missense change (SIFT: "Tolerated"; PolyPhen-2: "Probably Damaging"; Align-GVGD: "Class C0"). This variant has not been reported in the literature in individuals affected with BRAT1-related conditions. This variant is not present in population databases (gnomAD no frequency). This sequence change replaces tryptophan, which is neutral and slightly polar, with cysteine, which is neutral and slightly polar, at codon 280 of the BRAT1 protein (p.Trp280Cys).

NM_152743.4(BRAT1):c.840G>C (p.Trp280Cys)

Gene: BRAT1 (BRCA1 associated ATM activator 1; minus strand). Cytogenetic location: 7p22.3.
Variant type: single nucleotide variant.
Coding change: c.840G>C on transcript NM_152743.4 (MANE Select); coding-DNA position 840, G replaced by C.
Protein change: p.Trp280Cys; replaces tryptophan 280 with cysteine.
Molecular consequence: missense variant. On other transcripts: non-coding transcript variant (1).
Genome position (GRCh38, 1-based): chr7:2,543,287, C>G on the plus strand (G>C on the coding strand, the complement: BRAT1 is on the minus strand). VCF-style: chr7-2543287-C-G. GRCh37 (hg19) VCF-style: chr7-2582921-C-G.
Other names: c.840G>C, p.Trp280Cys (NM_001350626.2); c.315G>C, p.Trp105Cys (NM_001350627.2); short protein forms W105C, W280C.
Identifiers: ClinVar variation 2113972 (VCV002113972.4), dbSNP rs2534379480, ClinGen allele CA366631154.